The following is an entry in ClinVar:

ClinVar aggregate classification (germline): Pathogenic (1 of 4 stars; one submission).

Conditions:
Holocarboxylase synthetase deficiency. Also called: MULTIPLE CARBOXYLASE DEFICIENCY, EARLY ONSET. Identifiers: Orphanet 79242, MedGen C0268581, MONDO:0009666, OMIM 253270.

Submission:

Labcorp Genetics (formerly Invitae), Labcorp
Classification: Pathogenic for Holocarboxylase synthetase deficiency. Last evaluated: 2019-10-20. Review status: criteria provided, single submitter. Criteria: Invitae Variant Classification Sherloc (09022015). Collection method: clinical testing. Allele origin: germline.
Comment: For these reasons, this variant has been classified as Pathogenic. Loss-of-function variants in HLCS are known to be pathogenic (PMID: 16134170). This variant has not been reported in the literature in individuals with HLCS-related conditions. This variant is not present in population databases (ExAC no frequency). This sequence change creates a premature translational stop signal (p.Gln32*) in the HLCS gene. It is expected to result in an absent or disrupted protein product.

Literature cited by the submitters: PubMed 16134170.

NM_001352514.2(HLCS):c.535C>T (p.Gln179Ter)

Gene: HLCS (holocarboxylase synthetase; minus strand). Cytogenetic location: 21q22.13.
Variant type: single nucleotide variant.
Coding change: c.535C>T on transcript NM_001352514.2 (MANE Select); coding-DNA position 535, C replaced by T.
Protein change: p.Gln179Ter; replaces glutamine 179 with a stop codon.
Molecular consequence: nonsense. On other transcripts: non-coding transcript variant (2).
Genome position (GRCh38, 1-based): chr21:36,937,351, G>A on the plus strand (C>T on the coding strand, the complement: HLCS is on the minus strand). VCF-style: chr21-36937351-G-A. GRCh37 (hg19) VCF-style: chr21-38309651-G-A.
Other names: c.94C>T, p.Gln32Ter (NM_000411.8, NM_001242784.3, NM_001242785.2 and 4 more transcripts); short protein forms Q179*, Q32*.
Identifiers: ClinVar variation 961119 (VCV000961119.7), dbSNP rs2066942649, ClinGen allele CA409914084.